The following is an entry in ClinVar:

ClinVar aggregate classification (germline): Uncertain significance (1 of 4 stars; one submission).

Conditions:
Bethlem myopathy 1A. Also called: MYOPATHY, BENIGN CONGENITAL, WITH CONTRACTURES; Bethlem myopathy 1; Bethlem Muscular Dystrophy. Identifiers: Orphanet 610, MedGen CN029274, MONDO:0024530, OMIM 158810.

Submission:

Labcorp Genetics (formerly Invitae), Labcorp
Classification: Uncertain significance for Bethlem myopathy 1A. Last evaluated: 2022-06-19. Review status: criteria provided, single submitter. Criteria: Invitae Variant Classification Sherloc (09022015). Collection method: clinical testing. Allele origin: germline.
Comment: In summary, the available evidence is currently insufficient to determine the role of this variant in disease. Therefore, it has been classified as a Variant of Uncertain Significance. Algorithms developed to predict the effect of missense changes on protein structure and function are either unavailable or do not agree on the potential impact of this missense change (SIFT: "Deleterious"; PolyPhen-2: "Probably Damaging"; Align-GVGD: "Class C0"). This variant has not been reported in the literature in individuals affected with COL6A1-related conditions. This variant is not present in population databases (gnomAD no frequency). This sequence change replaces leucine, which is neutral and non-polar, with proline, which is neutral and non-polar, at codon 744 of the COL6A1 protein (p.Leu744Pro).

NM_001848.3(COL6A1):c.2231T>C (p.Leu744Pro)

Gene: COL6A1 (collagen type VI alpha 1 chain; plus strand). Cytogenetic location: 21q22.3.
Variant type: single nucleotide variant.
Coding change: c.2231T>C on transcript NM_001848.3 (MANE Select); coding-DNA position 2231, T replaced by C.
Protein change: p.Leu744Pro; replaces leucine 744 with proline.
Molecular consequence: missense variant.
Genome position (GRCh38, 1-based): chr21:46,002,382, T>C. VCF-style: chr21-46002382-T-C. GRCh37 (hg19) VCF-style: chr21-47422296-T-C.
Other names: short protein forms L744P.
Identifiers: ClinVar variation 2005387 (VCV002005387.4), dbSNP rs2526350626, ClinGen allele CA410535731.